The following is an entry in ClinVar:

ClinVar aggregate classification (germline): Uncertain significance (1 of 4 stars; one submission).

Conditions:
Autosomal dominant spastic paraplegia type 9. Identifiers: MedGen C1832669, MONDO:0015091.
de Barsy syndrome. Also called: Cutis laxa-corneal clouding-oligophrenia syndrome. Identifiers: Orphanet 2962, MedGen C0268354, MONDO:0017569.
Cutis laxa, autosomal dominant 3 (ADCL3). Identifiers: Orphanet 90348, MedGen C4225268, MONDO:0014706, OMIM 616603.

Allele frequency attached by ClinVar (database versions not stated): gnomAD exomes below 0.00001.
gnomAD v4.1: 2 of 1,613,666 alleles (0.00012%); highest among the groups gnomAD compares: Non-Finnish European, 0.00017%; no homozygotes.

Submission:

Labcorp Genetics (formerly Invitae), Labcorp
Classification: Uncertain significance for Autosomal dominant spastic paraplegia type 9; de Barsy syndrome; Cutis laxa, autosomal dominant 3. Last evaluated: 2021-09-14. Review status: criteria provided, single submitter. Criteria: Invitae Variant Classification Sherloc (09022015). Collection method: clinical testing. Allele origin: germline.
Comment: This variant has not been reported in the literature in individuals affected with ALDH18A1-related conditions. Algorithms developed to predict the effect of missense changes on protein structure and function are either unavailable or do not agree on the potential impact of this missense change (SIFT: "Deleterious"; PolyPhen-2: "Probably Damaging"; Align-GVGD: "Class C0"). In summary, the available evidence is currently insufficient to determine the role of this variant in disease. Therefore, it has been classified as a Variant of Uncertain Significance. This variant is not present in population databases (ExAC no frequency). This sequence change replaces arginine with cysteine at codon 94 of the ALDH18A1 protein (p.Arg94Cys). The arginine residue is highly conserved and there is a large physicochemical difference between arginine and cysteine.

NM_002860.4(ALDH18A1):c.280C>T (p.Arg94Cys)

Gene: ALDH18A1 (aldehyde dehydrogenase 18 family member A1; minus strand). Cytogenetic location: 10q24.1.
Variant type: single nucleotide variant.
Coding change: c.280C>T on transcript NM_002860.4 (MANE Select); coding-DNA position 280, C replaced by T.
Protein change: p.Arg94Cys; replaces arginine 94 with cysteine.
Molecular consequence: missense variant. On other transcripts: intron variant (4).
Genome position (GRCh38, 1-based): chr10:95,643,015, G>A on the plus strand (C>T on the coding strand, the complement: ALDH18A1 is on the minus strand). VCF-style: chr10-95643015-G-A. GRCh37 (hg19) VCF-style: chr10-97402772-G-A.
Other names: c.280C>T, p.Arg94Cys (NM_001017423.2, NM_001323413.2, NM_001323414.2 and 2 more transcripts); c.-78-9366C>T (NM_001323419.2); c.-30-5579C>T (NM_001323412.2, NM_001323418.2, NM_001323416.2); short protein forms R94C.
Identifiers: ClinVar variation 1450626 (VCV001450626.6), dbSNP rs2139642020, ClinGen allele CA377707609.